The following is an entry in ClinVar:

ClinVar aggregate classification (germline): Uncertain significance. Review status: criteria provided, multiple submitters, no conflicts (2 of 4 stars). 2 submissions from 2 submitters: Uncertain significance (2). Last evaluated 2025-12-08.

Conditions:
Inborn genetic diseases. Identifiers: MedGen C0950123, MeSH D030342.

Allele frequency attached by ClinVar (database versions not stated): ExAC 0.00002; gnomAD exomes 0.00002 and 0.00003; 1000 Genomes Project 30x 0.00016; 1000 Genomes Project 0.00020; TOPMed 0.00020; gnomAD 0.00022.
gnomAD v4.1: 59 of 1,589,604 alleles (0.0037%); highest among the groups gnomAD compares: African/African-American, 0.077%; no homozygotes.

Submissions (2):

Labcorp Genetics (formerly Invitae), Labcorp
Classification: Uncertain significance. Last evaluated: 2025-12-08. Review status: criteria provided, single submitter. Criteria: Invitae Variant Classification Sherloc (09022015). Collection method: clinical testing. Allele origin: germline.
Comment: This sequence change replaces methionine, which is neutral and non-polar, with valine, which is neutral and non-polar, at codon 3043 of the FAT1 protein (p.Met3043Val). This variant is present in population databases (rs192222661, gnomAD 0.06%). This variant has not been reported in the literature in individuals affected with FAT1-related conditions. ClinVar contains an entry for this variant (Variation ID: 1362282). Invitae Evidence Modeling of protein sequence and biophysical properties (such as structural, functional, and spatial information, amino acid conservation, physicochemical variation, residue mobility, and thermodynamic stability) indicates that this missense variant is not expected to disrupt FAT1 protein function with a negative predictive value of 80%. In summary, the available evidence is currently insufficient to determine the role of this variant in disease. Therefore, it has been classified as a Variant of Uncertain Significance.

Ambry Genetics
Classification: Uncertain significance for Inborn genetic diseases. Last evaluated: 2025-04-14. Review status: criteria provided, single submitter. Criteria: Ambry Variant Classification Scheme 2023. Collection method: clinical testing. Allele origin: germline.

NM_005245.4(FAT1):c.9127A>G (p.Met3043Val)

Gene: FAT1 (FAT atypical cadherin 1; minus strand). Cytogenetic location: 4q35.2.
Variant type: single nucleotide variant.
Coding change: c.9127A>G on transcript NM_005245.4 (MANE Select); coding-DNA position 9127, A replaced by G.
Protein change: p.Met3043Val; replaces methionine 3043 with valine.
Molecular consequence: missense variant.
Genome position (GRCh38, 1-based): chr4:186,614,293, T>C on the plus strand (A>G on the coding strand, the complement: FAT1 is on the minus strand). VCF-style: chr4-186614293-T-C. GRCh37 (hg19) VCF-style: chr4-187535447-T-C.
Other names: c.9127A>G (NM_005245.3); short protein forms M3043V.
Identifiers: ClinVar variation 1362282 (VCV001362282.9), dbSNP rs192222661, ClinGen allele CA3165728.